The following is an entry in ClinVar:

ClinVar aggregate classification (germline): Pathogenic (1 of 4 stars; one submission).

Submission:

GeneDx
Classification: Pathogenic. Last evaluated: 2026-03-28. Review status: criteria provided, single submitter. Criteria: GeneDx Variant Classification Process June 2021. Collection method: clinical testing. Allele origin: germline.
Comment: Canonical splice site variant predicted to result in a null allele in a gene for which loss of function is a known mechanism of disease; Not observed at significant frequency in large population cohorts (gnomAD); This variant is associated with the following publications: (PMID: Scott2021[CaseReport], 38800615)

NM_001369369.1(FOXN1):c.927+1G>C

Gene: FOXN1 (forkhead box N1; plus strand). Cytogenetic location: 17q11.2.
Variant type: single nucleotide variant.
Coding change: c.927+1G>C on transcript NM_001369369.1 (MANE Select); the canonical splice donor site of the intron after coding-DNA position 927, G replaced by C.
Molecular consequence: splice donor variant.
Genome position (GRCh38, 1-based): chr17:28,530,846, G>C. VCF-style: chr17-28530846-G-C. GRCh37 (hg19) VCF-style: chr17-26857864-G-C.
Other names: c.927+1G>C (NM_003593.3).
Identifiers: ClinVar variation 5016750 (VCV005016750.1).